The following is an entry in ClinVar:

ClinVar aggregate classification (germline): Likely pathogenic (1 of 4 stars; one submission).

Conditions:
Familial adenomatous polyposis 3. Also called: NTHL1-Related Adenomatous Polyposis and Colorectal Cancer; NTHL1 Tumor Syndrome; NTHL1-related attenuated familial adenomatous polyposis; NTHL1-associated polyposis. Identifiers: Orphanet 220460, Orphanet 454840, MedGen C4225157, MONDO:0014630, OMIM 616415.

Submission:

Myriad Genetics, Inc.
Classification: Likely pathogenic for Familial adenomatous polyposis 3. Last evaluated: 2023-12-06. Review status: criteria provided, single submitter. Criteria: Myriad Autosomal Dominant, Autosomal Recessive and X-Linked Classification Criteria (2023). Collection method: clinical testing. Allele origin: unknown.
Comment: This variant is considered likely pathogenic. This variant occurs within a consensus splice junction and is predicted to result in abnormal mRNA splicing of either an out-of-frame exon or an in-frame exon necessary for protein stability and/or normal function.

NM_002528.7(NTHL1):c.786_791+20del

Gene: NTHL1 (nth like DNA glycosylase 1; minus strand). Cytogenetic location: 16p13.3.
Variant type: Deletion.
Coding change: c.786_791+20del on transcript NM_002528.7 (MANE Select); coding-DNA position 786 through 20 bases into the intron after coding-DNA position 791, 26 bases deleted (GCCTAGGTATGAGTATGTGGGGGGCT).
Molecular consequence: splice donor variant.
Genome position (GRCh38, 1-based): chr16:2,040,113-2,040,138, AGCCCCCCACATACTCATACCTAGGC deleted on the plus strand (GCCTAGGTATGAGTATGTGGGGGGCT on the coding strand, the reverse complement: NTHL1 is on the minus strand); deleting any 26 consecutive bases within chr16:2,040,113-2,040,142 gives the same sequence; the c. name uses the placement nearest the transcript's 3' end. VCF-style (leftmost placement, unchanged base first): chr16-2040112-AAGCCCCCCACATACTCATACCTAGGC-A. GRCh37 (hg19) VCF-style: chr16-2090113-AAGCCCCCCACATACTCATACCTAGGC-A.
Other names: c.456_461+20del (NM_001318194.2); c.615_620+20del (NM_001318193.2).
Identifiers: ClinVar variation 2673946 (VCV002673946.1), dbSNP rs2548311703, ClinGen allele CA2695197408.